The following is an entry in ClinVar:

NM_000543.5(SMPD1):c.550_551insGATGTAA (p.Pro184fs)

Gene: SMPD1 (sphingomyelin phosphodiesterase 1; plus strand). Cytogenetic location: 11p15.4.
Variant type: Insertion.
Coding change: c.550_551insGATGTAA on transcript NM_000543.5 (MANE Select); coding-DNA positions 550 to 551, GATGTAA inserted.
Protein change: p.Pro184fs; shifts the reading frame from proline 184.
Molecular consequence: frameshift variant. On other transcripts: 5 prime UTR variant (1), non-coding transcript variant (1).
Genome position: GRCh38 VCF-style: chr11-6391615-C-CGATGTAA. GRCh37 (hg19) VCF-style: chr11-6412845-C-CGATGTAA.
Other names: c.547_548insGATGTAA, p.Pro183fs (NM_001007593.3); c.550_551insGATGTAA, p.Pro184fs (NM_001318087.2, NM_001365135.2); c.-412_-411insGATGTAA (NM_001318088.2); short protein forms P183fs, P184fs.
Identifiers: ClinVar variation 5011253 (VCV005011253.1).

ClinVar aggregate classification (germline): Pathogenic (1 of 4 stars; one submission).

Conditions:
Acid sphingomyelinase deficiency. Identifiers: Orphanet 618899, MedGen C5243927, MONDO:0100464.

Submission:

Myriad Genetics, Inc.
Classification: Pathogenic for Acid sphingomyelinase deficiency. Last evaluated: 2023-08-07. Review status: criteria provided, single submitter. Criteria: Myriad Autosomal Dominant, Autosomal Recessive and X-Linked Classification Criteria (2023). Collection method: clinical testing. Allele origin: unknown.
Comment: NM_000543.4(SMPD1):c.550_551ins7(P184Rfs*11) is expected to be pathogenic in the context of Niemann-Pick disease, SMPD1-related. This variant is predicted to lead to an abnormal or absent protein product due to the creation of a premature termination codon in SMPD1, a gene where loss-of-function variants are known to be pathogenic. Please note: this variant was assessed in the context of healthy population screening.